The following is an entry in ClinVar:

NM_001110556.2(FLNA):c.5997_6022+1dup

Gene: FLNA (filamin A; minus strand). Cytogenetic location: Xq28.
Variant type: Duplication.
Coding change: c.5997_6022+1dup on transcript NM_001110556.2 (MANE Select); coding-DNA position 5997 through the canonical splice donor site of the intron after coding-DNA position 6022, 27 bases duplicated (GAAGCGGCTGCGTAATGGCCACGTGGG).
Molecular consequence: splice donor variant.
Genome position (GRCh38, 1-based): chrX:154,353,295-154,353,321, CCCACGTGGCCATTACGCAGCCGCTTC duplicated on the plus strand (GAAGCGGCTGCGTAATGGCCACGTGGG on the coding strand, the reverse complement: FLNA is on the minus strand). VCF-style (leftmost placement, unchanged base first): chrX-154353294-A-ACCCACGTGGCCATTACGCAGCCGCTTC. GRCh37 (hg19) VCF-style: chrX-153581662-A-ACCCACGTGGCCATTACGCAGCCGCTTC.
Other names: c.5973_5998+1dup (NM_001456.4); c.5997_6022+1dup27 (NM_001110556.2).
Identifiers: ClinVar variation 3339746 (VCV003339746.1).
Genomic context (GRCh38, chrX:154,353,294, plus strand): 5'-GAGGGCATGGCTCCCCACAGGCTGCCTCCTTTCTGAACCCCCTGGACCCTTCAGCCGCTT[A>ACCCACGTGGCCATTACGCAGCCGCTTC]CCCACGTGGCCATTACGCAGCCGCTTCAGCAAACAGGGCTCCTCCCGGCCCGAGGGCGGG-3'

ClinVar aggregate classification (germline): Likely pathogenic (1 of 4 stars; one submission).

Conditions:
Periventricular nodular heterotopia (PVNH). Identifiers: Orphanet 98892, MedGen C1868720, MeSH D054091, MONDO:0020341, HP:0032388.

Submission:

Women's Health and Genetics/Laboratory Corporation of America, LabCorp
Classification: Likely pathogenic for Periventricular nodular heterotopia. Last evaluated: 2024-06-04. Review status: criteria provided, single submitter. Criteria: LabCorp Variant Classification Summary - May 2015. Collection method: clinical testing. Allele origin: germline.
Comment: Variant summary: FLNA c.5997_6022+1dup27 is located in a canonical splice-site and is predicted to affect mRNA splicing resulting in a significantly altered protein due to either exon skipping, shortening, or inclusion of intronic material. Several computational tools predict a significant impact on normal splicing: Four predict the variant abolishes a 5' splicing donor site. Four predict the variant creates a 5' donor site. However, these predictions have yet to be confirmed by functional studies. The variant was absent in 181489 control chromosomes. To our knowledge, no occurrence of c.5997_6022+1dup27 in individuals affected with Periventricular Nodular Heterotopia and no experimental evidence demonstrating its impact on protein function have been reported. No submitters have cited clinical-significance assessments for this variant to ClinVar. Based on the evidence outlined above, the variant was classified as likely pathogenic.